The following is an entry in ClinVar:

NM_025243.4(SLC19A3):c.491T>C (p.Leu164Pro)

Gene: SLC19A3 (solute carrier family 19 member 3; minus strand). Cytogenetic location: 2q36.3.
Variant type: single nucleotide variant.
Coding change: c.491T>C on transcript NM_025243.4 (MANE Select); coding-DNA position 491, T replaced by C.
Protein change: p.Leu164Pro; replaces leucine 164 with proline.
Molecular consequence: missense variant.
Genome position (GRCh38, 1-based): chr2:227,699,224, A>G on the plus strand (T>C on the coding strand, the complement: SLC19A3 is on the minus strand). VCF-style: chr2-227699224-A-G. GRCh37 (hg19) VCF-style: chr2-228563940-A-G.
Other names: c.491T>C, p.Leu164Pro (NM_001371411.1, NM_001371412.1); c.479T>C, p.Leu160Pro (NM_001371413.1, NM_001371414.1); short protein forms L164P, L160P.
Identifiers: ClinVar variation 2195609 (VCV002195609.2), dbSNP rs2470573845, ClinGen allele CA350877111.

ClinVar aggregate classification (germline): Uncertain significance (1 of 4 stars; one submission).

Conditions:
Biotin-responsive basal ganglia disease (BTBGD). Also called: Thiamine metabolism dysfunction syndrome 2 (biotin- or thiamine-responsive encephalopathy type 2); thiamine-responsive encephalopathy; Thiamine Transporter-2 Deficiency; Thiamine metabolism dysfunction syndrome type 2; THIAMINE METABOLISM DYSFUNCTION SYNDROME 2 (BIOTIN- AND THIAMINE-RESPONSIVE TYPE). Identifiers: Orphanet 199348, Orphanet 65284, MedGen C1843807, MONDO:0011841, OMIM 607483.

Submission:

Labcorp Genetics (formerly Invitae), Labcorp
Classification: Uncertain significance for Biotin-responsive basal ganglia disease. Last evaluated: 2024-12-09. Review status: criteria provided, single submitter. Criteria: Invitae Variant Classification Sherloc (09022015). Collection method: clinical testing. Allele origin: germline.
Comment: This sequence change replaces leucine, which is neutral and non-polar, with proline, which is neutral and non-polar, at codon 164 of the SLC19A3 protein (p.Leu164Pro). This variant is not present in population databases (gnomAD no frequency). This variant has not been reported in the literature in individuals affected with SLC19A3-related conditions. ClinVar contains an entry for this variant (Variation ID: 2195609). Invitae Evidence Modeling of protein sequence and biophysical properties (such as structural, functional, and spatial information, amino acid conservation, physicochemical variation, residue mobility, and thermodynamic stability) indicates that this missense variant is expected to disrupt SLC19A3 protein function with a positive predictive value of 95%. In summary, the available evidence is currently insufficient to determine the role of this variant in disease. Therefore, it has been classified as a Variant of Uncertain Significance.